The following is an entry in ClinVar:

ClinVar aggregate classification (germline): Benign/Likely benign. Review status: criteria provided, multiple submitters, no conflicts (2 of 4 stars). 7 submissions from 3 submitters: Benign (4); Likely benign (3). Last evaluated 2018-07-15.

Conditions:
Beare-Stevenson cutis gyrata syndrome (BSTVS). Identifiers: Orphanet 1555, MedGen C1852406, MONDO:0007412, OMIM 123790.
Isolated Coronal Synostosis. Identifiers: MedGen CN043619.
Saethre-Chotzen syndrome (SCS). Also called: ACROCEPHALY, SKULL ASYMMETRY, AND MILD SYNDACTYLY; ACS III; CHOTZEN SYNDROME. Identifiers: Orphanet 794, MedGen C0175699, MONDO:0007042, OMIM 101400.
Craniosynostosis syndrome. Also called: Craniosynostosis. Identifiers: Orphanet 1531, MedGen C0010278, MeSH D003398, MONDO:0015469, HP:0001363.
Crouzon syndrome. Also called: CRANIOFACIAL DYSOSTOSIS, TYPE I; Craniofacial dysostosis; Craniofacial dysostosis type 1; Crouzon craniofacial dysostosis; Crouzon disease. Identifiers: Orphanet 207, MedGen C0010273, MeSH D003394, MONDO:0007405, OMIM 123500, HP:0004439.

Allele frequency attached by ClinVar (database versions not stated): 1000 Genomes Project 0.00899; 1000 Genomes Project 30x 0.00984; gnomAD 0.01579 and 0.01590; TOPMed 0.01598; gnomAD exomes 0.02210.
gnomAD v4.1: 9,105 of 455,472 alleles (2%); highest among the groups gnomAD compares: Non-Finnish European, 2.8%; 148 homozygotes.

Submissions (7):

GeneDx
Classification: Likely benign. Last evaluated: 2018-07-15. Review status: criteria provided, single submitter. Criteria: GeneDx Variant Classification Process June 2021. Collection method: clinical testing. Allele origin: germline. Affected: yes.

Illumina Laboratory Services, Illumina
Classification: Benign for Beare-Stevenson cutis gyrata syndrome. Last evaluated: 2018-01-12. Review status: criteria provided, single submitter. Criteria: ICSL Variant Classification Criteria 13 December 2019. Collection method: clinical testing. Allele origin: germline.
Comment: This variant was observed in the ICSL laboratory as part of a predisposition screen in an ostensibly healthy population. It had not been previously curated by ICSL or reported in the Human Gene Mutation Database (HGMD: prior to June 1st, 2018), and was therefore a candidate for classification through an automated scoring system. Utilizing variant allele frequency, disease prevalence and penetrance estimates, and inheritance mode, an automated score was calculated to assess if this variant is too frequent to cause the disease. Based on the score and internal cut-off values, a variant classified as benign is not then subjected to further curation. The score for this variant resulted in a classification of benign for this disease.

Illumina Laboratory Services, Illumina
Classification: Benign for Craniosynostosis. Last evaluated: 2018-01-12. Review status: criteria provided, single submitter. Criteria: ICSL Variant Classification Criteria 13 December 2019. Collection method: clinical testing. Allele origin: germline.
Comment: the same text as in the submission from Illumina Laboratory Services, Illumina above.

Illumina Laboratory Services, Illumina
Classification: Benign for Saethre-Chotzen syndrome. Last evaluated: 2018-01-12. Review status: criteria provided, single submitter. Criteria: ICSL Variant Classification Criteria 13 December 2019. Collection method: clinical testing. Allele origin: germline.
Comment: the same text as in the submission from Illumina Laboratory Services, Illumina above.

Illumina Laboratory Services, Illumina
Classification: Likely benign for Isolated coronal synostosis. Last evaluated: 2018-01-12. Review status: criteria provided, single submitter. Criteria: ICSL Variant Classification Criteria 13 December 2019. Collection method: clinical testing. Allele origin: germline.
Comment: This variant was observed in the ICSL laboratory as part of a predisposition screen in an ostensibly healthy population. It had not been previously curated by ICSL or reported in the Human Gene Mutation Database (HGMD: prior to June 1st, 2018), and was therefore a candidate for classification through an automated scoring system. Utilizing variant allele frequency, disease prevalence and penetrance estimates, and inheritance mode, an automated score was calculated to assess if this variant is too frequent to cause the disease. Based on the score and internal cut-off values, a variant classified as likely benign is not then subjected to further curation. The score for this variant resulted in a classification of likely benign for this disease.

Illumina Laboratory Services, Illumina
Classification: Benign for Crouzon syndrome. Last evaluated: 2018-01-12. Review status: criteria provided, single submitter. Criteria: ICSL Variant Classification Criteria 13 December 2019. Collection method: clinical testing. Allele origin: germline.
Comment: the same text as in the submission from Illumina Laboratory Services, Illumina above.

Breakthrough Genomics
Classification: Likely benign. Review status: criteria provided, single submitter. Criteria: ACMG Guidelines, 2015. Collection method: not provided. Allele origin: germline. Inheritance: Autosomal dominant inheritance. Affected: yes.

NM_000141.5(FGFR2):c.*403A>G

Gene: FGFR2 (fibroblast growth factor receptor 2; minus strand). Cytogenetic location: 10q26.13.
Variant type: single nucleotide variant.
Coding change: c.*403A>G on transcript NM_000141.5 (MANE Select); 403 bases downstream of the stop codon, A replaced by G.
Molecular consequence: 3 prime UTR variant. On other transcripts: non-coding transcript variant (1).
Genome position (GRCh38, 1-based): chr10:121,479,454, T>C on the plus strand (A>G on the coding strand, the complement: FGFR2 is on the minus strand). VCF-style: chr10-121479454-T-C. GRCh37 (hg19) VCF-style: chr10-123238968-T-C.
Other names: c.*403A>G (NM_001144914.1, NM_001144916.2, NM_001144917.2 and 5 more transcripts); c.*127A>G (NM_001144915.2).
Identifiers: ClinVar variation 298989 (VCV000298989.9), dbSNP rs3135826, ClinGen allele CA10635045.
Genomic context (GRCh38, chr10:121,479,454, plus strand): 5'-TTTAAAATCAATACAAAAAATAACTCCTTGTAAATATATAATATATATTTATACATAATT[T>C]GAATATATTTACATACATCCAGCACCTATATACTGCATTTGTGCTCTGTAAGTGTGTGCT-3'